The following is an entry in ClinVar:

ClinVar aggregate classification (germline): Uncertain significance (1 of 4 stars; one submission).

Conditions:
Hereditary cancer-predisposing syndrome. Also called: Hereditary Cancer Syndrome; Hereditary neoplastic syndrome; Neoplastic Syndromes, Hereditary; Tumor predisposition. Identifiers: Orphanet 140162, MedGen C0027672, MeSH D009386, MONDO:0015356.

Submission:

Ambry Genetics
Classification: Uncertain significance for Hereditary cancer-predisposing syndrome. Last evaluated: 2026-06-17. Review status: criteria provided, single submitter. Criteria: Ambry Variant Classification Scheme 2023. Collection method: clinical testing. Allele origin: germline.
Comment: The p.D146N variant (also known as c.436G>A), located in coding exon 2 of the BLM gene, results from a G to A substitution at nucleotide position 436. The aspartic acid at codon 146 is replaced by asparagine, an amino acid with highly similar properties. This amino acid position is conserved. In addition, this alteration is predicted to be tolerated by in silico analysis. Based on the available evidence, the clinical significance of this variant remains unclear.

NM_000057.4(BLM):c.436G>A (p.Asp146Asn)

Gene: BLM (BLM RecQ like helicase; plus strand). Cytogenetic location: 15q26.1.
Variant type: single nucleotide variant.
Coding change: c.436G>A on transcript NM_000057.4 (MANE Select); coding-DNA position 436, G replaced by A.
Protein change: p.Asp146Asn; replaces aspartic acid 146 with asparagine.
Molecular consequence: missense variant. On other transcripts: 5 prime UTR variant (1).
Genome position (GRCh38, 1-based): chr15:90,749,704, G>A. VCF-style: chr15-90749704-G-A. GRCh37 (hg19) VCF-style: chr15-91292934-G-A.
Other names: c.436G>A, p.Asp146Asn (NM_001287246.2, NM_001287247.2); c.-856G>A (NM_001287248.2); short protein forms D146N.
Identifiers: ClinVar variation 3824492 (VCV003824492.2).